The following is an entry in ClinVar:

NM_001122955.4(BSCL2):c.864-16C>G

Genes: BSCL2 (BSCL2 lipid droplet biogenesis associated, seipin; minus strand), HNRNPUL2-BSCL2 (HNRNPUL2-BSCL2 readthrough (NMD candidate); minus strand). Cytogenetic location: 11q12.3.
Variant type: single nucleotide variant.
Coding change: c.864-16C>G on transcript NM_001122955.4 (MANE Select); 16 bases into the intron before coding-DNA position 864, C replaced by G.
Molecular consequence: intron variant.
Genome position (GRCh38, 1-based): chr11:62,691,437, G>C on the plus strand (C>G on the coding strand, the complement: BSCL2 is on the minus strand). VCF-style: chr11-62691437-G-C. GRCh37 (hg19) VCF-style: chr11-62458909-G-C.
Other names: c.672-296C>G (NM_001130702.2); c.672-16C>G (NM_032667.6); c.864-16C>G (NM_001386028.1, NM_001386027.1).
Identifiers: ClinVar variation 2814818 (VCV002814818.3), dbSNP rs1945308568, ClinGen allele CA1977886568.
Genomic context (GRCh38, chr11:62,691,437, plus strand): 5'-ACACCTATGAAGGCGCAGGTCATCGGGAAGTTGTATAGCAGGTATCTGAGGCAGGAAGTA[G>C]GGACAAGAAGGTAGTAGCAGTTACCAGAGAGCACCAGCCTTCTCATGTCCCAGAAATAAT-3'

ClinVar aggregate classification (germline): Uncertain significance (1 of 4 stars; one submission).

Conditions:
Charcot-Marie-Tooth disease type 2. Also called: Charcot-Marie-Tooth type 2. Identifiers: Orphanet 64746, MedGen C0270914, MONDO:0018993.

Allele frequency attached by ClinVar (database versions not stated): TOPMed below 0.00001.

Submission:

Labcorp Genetics (formerly Invitae), Labcorp
Classification: Uncertain significance for Charcot-Marie-Tooth disease type 2. Last evaluated: 2022-11-17. Review status: criteria provided, single submitter. Criteria: Invitae Variant Classification Sherloc (09022015). Collection method: clinical testing. Allele origin: germline.
Comment: In summary, the available evidence is currently insufficient to determine the role of this variant in disease. Therefore, it has been classified as a Variant of Uncertain Significance. Algorithms developed to predict the effect of sequence changes on RNA splicing suggest that this variant may create or strengthen a splice site. This variant has not been reported in the literature in individuals affected with BSCL2-related conditions. This variant is not present in population databases (gnomAD no frequency). This sequence change falls in intron 6 of the BSCL2 gene. It does not directly change the encoded amino acid sequence of the BSCL2 protein.